The following is an entry in ClinVar:

NM_000142.5(FGFR3):c.236C>T (p.Thr79Ile)

Gene: FGFR3 (fibroblast growth factor receptor 3; plus strand). Cytogenetic location: 4p16.3.
Variant type: single nucleotide variant.
Coding change: c.236C>T on transcript NM_000142.5 (MANE Select); coding-DNA position 236, C replaced by T.
Protein change: p.Thr79Ile; replaces threonine 79 with isoleucine.
Molecular consequence: missense variant. On other transcripts: non-coding transcript variant (1).
Genome position (GRCh38, 1-based): chr4:1,799,380, C>T. VCF-style: chr4-1799380-C-T. GRCh37 (hg19) VCF-style: chr4-1801107-C-T.
Other names: c.236C>T, p.Thr79Ile (NM_001163213.2, NM_001354809.2, NM_001354810.2 and 1 more transcripts); short protein forms T79I.
Identifiers: ClinVar variation 3368000 (VCV003368000.1).

ClinVar aggregate classification (germline): Uncertain significance (1 of 4 stars; one submission).

Submission:

GeneDx
Classification: Uncertain significance. Last evaluated: 2024-01-17. Review status: criteria provided, single submitter. Criteria: GeneDx Variant Classification Process June 2021. Collection method: clinical testing. Allele origin: germline. Affected: yes.
Comment: In silico analysis supports that this missense variant does not alter protein structure/function; Has not been previously published as pathogenic or benign to our knowledge